The following is an entry in ClinVar:

ClinVar aggregate classification (germline): Uncertain significance. Review status: criteria provided, multiple submitters, no conflicts (2 of 4 stars). 2 submissions from 2 submitters: Uncertain significance (2). Last evaluated 2025-01-11.

Conditions:
GATA6-related disorder. Also called: GATA6-related condition.
Atrioventricular septal defect 5 (AVSD5). Identifiers: MedGen C3280939, MONDO:0013769, OMIM 614474.

Submissions (2):

PreventionGenetics, part of Exact Sciences
Classification: Uncertain significance for GATA6-related condition. Last evaluated: 2025-01-11. Review status: criteria provided, single submitter. Criteria: ACMG Guidelines, 2015. Collection method: clinical testing. Allele origin: germline.
Comment: The GATA6 c.511C>T variant is predicted to result in the amino acid substitution p.His171Tyr. To our knowledge, this variant has not been reported in the literature or in a large population database (gnomAD), indicating this variant is rare. At this time, the clinical significance of this variant is uncertain due to the absence of conclusive functional and genetic evidence.

Labcorp Genetics (formerly Invitae), Labcorp
Classification: Uncertain significance for Atrioventricular septal defect 5. Last evaluated: 2024-06-30. Review status: criteria provided, single submitter. Criteria: Invitae Variant Classification Sherloc (09022015). Collection method: clinical testing. Allele origin: germline.
Comment: This sequence change replaces histidine, which is basic and polar, with tyrosine, which is neutral and polar, at codon 171 of the GATA6 protein (p.His171Tyr). This variant is not present in population databases (gnomAD no frequency). This variant has not been reported in the literature in individuals affected with GATA6-related conditions. Advanced modeling of protein sequence and biophysical properties (such as structural, functional, and spatial information, amino acid conservation, physicochemical variation, residue mobility, and thermodynamic stability) performed at Invitae indicates that this missense variant is not expected to disrupt GATA6 protein function with a negative predictive value of 80%. In summary, the available evidence is currently insufficient to determine the role of this variant in disease. Therefore, it has been classified as a Variant of Uncertain Significance.

NM_005257.6(GATA6):c.511C>T (p.His171Tyr)

Gene: GATA6 (GATA binding protein 6; plus strand). Cytogenetic location: 18q11.2.
Variant type: single nucleotide variant.
Coding change: c.511C>T on transcript NM_005257.6 (MANE Select); coding-DNA position 511, C replaced by T.
Protein change: p.His171Tyr; replaces histidine 171 with tyrosine.
Molecular consequence: missense variant.
Genome position (GRCh38, 1-based): chr18:22,171,655, C>T. VCF-style: chr18-22171655-C-T. GRCh37 (hg19) VCF-style: chr18-19751616-C-T.
Other names: c.511C>T (NM_005257.5); short protein forms H171Y.
Identifiers: ClinVar variation 3691345 (VCV003691345.3).